The following is an entry in ClinVar:

NM_005559.4(LAMA1):c.3042T>A (p.Cys1014Ter)

Gene: LAMA1 (laminin subunit alpha 1; minus strand). Cytogenetic location: 18p11.31.
Variant type: single nucleotide variant.
Coding change: c.3042T>A on transcript NM_005559.4 (MANE Select); coding-DNA position 3042, T replaced by A.
Protein change: p.Cys1014Ter; replaces cysteine 1014 with a stop codon.
Molecular consequence: nonsense.
Genome position (GRCh38, 1-based): chr18:7,015,806, A>T on the plus strand (T>A on the coding strand, the complement: LAMA1 is on the minus strand). VCF-style: chr18-7015806-A-T. GRCh37 (hg19) VCF-style: chr18-7015805-A-T.
Other names: short protein forms C1014*.
Identifiers: ClinVar variation 2007972 (VCV002007972.4), dbSNP rs2510073256, ClinGen allele CA401850579.

ClinVar aggregate classification (germline): Pathogenic (1 of 4 stars; one submission).

Allele frequency attached by ClinVar (database versions not stated): gnomAD exomes 0.00001.
gnomAD v4.1: 7 of 1,614,118 alleles (0.00043%); highest among the groups gnomAD compares: Non-Finnish European, 0.00059%; no homozygotes.

Submission:

Labcorp Genetics (formerly Invitae), Labcorp
Classification: Pathogenic. Last evaluated: 2022-09-14. Review status: criteria provided, single submitter. Criteria: Invitae Variant Classification Sherloc (09022015). Collection method: clinical testing. Allele origin: germline.
Comment: This sequence change creates a premature translational stop signal (p.Cys1014*) in the LAMA1 gene. It is expected to result in an absent or disrupted protein product. Loss-of-function variants in LAMA1 are known to be pathogenic (PMID: 25105227, 26932191). Algorithms developed to predict the effect of sequence changes on RNA splicing suggest that this variant may create or strengthen a splice site. This variant has not been reported in the literature in individuals affected with LAMA1-related conditions. This variant is not present in population databases (gnomAD no frequency). For these reasons, this variant has been classified as Pathogenic.

Literature cited by the submitters: PubMed 25105227; PubMed 26932191.